The following is an entry in ClinVar:

ClinVar aggregate classification (germline): Likely benign (0 of 4 stars; one submission).

Conditions:
CTBP2-related disorder. Also called: CTBP2-related condition.

Allele frequency attached by ClinVar (database versions not stated): ExAC 0.00107; gnomAD 0.00274; TOPMed 0.00299; 1000 Genomes Project 0.00339; ESP Exome Variant Server 0.00354; 1000 Genomes Project 30x 0.00359.

Submission:

PreventionGenetics, part of Exact Sciences
Classification: Likely benign for CTBP2-related condition. Last evaluated: 2019-06-07. Review status: no assertion criteria provided. Collection method: clinical testing. Allele origin: germline.
Comment: This variant is classified as likely benign based on ACMG/AMP sequence variant interpretation guidelines (Richards et al. 2015 PMID: 25741868, with internal and published modifications).

NM_001329.4(CTBP2):c.58+12618G>A

Gene: CTBP2 (C-terminal binding protein 2; minus strand). Cytogenetic location: 10q26.13.
Variant type: single nucleotide variant.
Coding change: c.58+12618G>A on transcript NM_001329.4 (MANE Select); 12618 bases into the intron after coding-DNA position 58, G replaced by A.
Molecular consequence: intron variant. On other transcripts: missense variant (1).
Genome position (GRCh38, 1-based): chr10:125,026,379, C>T on the plus strand (G>A on the coding strand, the complement: CTBP2 is on the minus strand). VCF-style: chr10-125026379-C-T. GRCh37 (hg19) VCF-style: chr10-126714948-C-T.
Other names: c.1381G>A, p.Val461Met (NM_022802.3); c.58+12618G>A (NM_001083914.3, NM_001290214.3, NM_001321012.2 and 3 more transcripts); short protein forms V461M.
Identifiers: ClinVar variation 3044948 (VCV003044948.2), dbSNP rs73375140, ClinGen allele CA5736225.